The following is an entry in ClinVar:

NM_019098.5(CNGB3):c.670C>T (p.Leu224Phe)

Gene: CNGB3 (cyclic nucleotide gated channel subunit beta 3; minus strand). Cytogenetic location: 8q21.3.
Variant type: single nucleotide variant.
Coding change: c.670C>T on transcript NM_019098.5 (MANE Select); coding-DNA position 670, C replaced by T.
Protein change: p.Leu224Phe; replaces leucine 224 with phenylalanine.
Molecular consequence: missense variant.
Genome position (GRCh38, 1-based): chr8:86,667,107, G>A on the plus strand (C>T on the coding strand, the complement: CNGB3 is on the minus strand). VCF-style: chr8-86667107-G-A. GRCh37 (hg19) VCF-style: chr8-87679335-G-A.
Other names: short protein forms L224F.
Identifiers: ClinVar variation 283819 (VCV000283819.12), dbSNP rs373286939, ClinGen allele CA4800310.

ClinVar aggregate classification (germline): Uncertain significance. Review status: criteria provided, multiple submitters, no conflicts (2 of 4 stars). 6 submissions from 5 submitters: Uncertain significance (6). Last evaluated 2026-02-10.

Conditions:
Achromatopsia 3 (ACHM3). Also called: PINGELAPESE BLINDNESS; TOTAL COLORBLINDNESS WITH MYOPIA; ROD MONOCHROMACY 1; ROD MONOCHROMATISM 1; ACHROMATOPSIA WITH MYOPIA. Identifiers: Orphanet 49382, MedGen C1849792, MONDO:0009875, OMIM 262300.
CNGB3-related disorder. Also called: CNGB3-related disorders; CNGB3-related condition. Identifiers: MedGen CN239340.
Severe early-childhood-onset retinal dystrophy (STGD1). Also called: Stargardt macular dystrophy; Juvenile onset macular degeneration; Stargardt disease 1; MACULAR DYSTROPHY WITH FLECKS, TYPE 1; STGD. Identifiers: Orphanet 364055, Orphanet 827, MedGen C1855465, MeSH D000080362, MONDO:0009549, OMIM 248200.

Allele frequency attached by ClinVar (database versions not stated): gnomAD 0.00005 and 0.00004; ESP Exome Variant Server 0.00008; TOPMed 0.00003; gnomAD exomes 0.00006 and 0.00016; ExAC 0.00007.

Submissions (6):

PreventionGenetics, part of Exact Sciences
Classification: Uncertain significance for CNGB3-related condition. Last evaluated: 2026-02-10. Review status: criteria provided, single submitter. Criteria: ACMG Guidelines, 2015. Collection method: clinical testing. Allele origin: germline.
Comment: The CNGB3 c.670C>T variant is predicted to result in the amino acid substitution p.Leu224Phe. To our knowledge, this variant has not been reported in the literature. This variant is reported in 0.025% of alleles in individuals of East Asian descent in gnomAD. At this time, the clinical significance of this variant is uncertain due to the absence of conclusive functional and genetic evidence.

Blueprint Genetics
Classification: Uncertain significance. Last evaluated: 2024-08-07. Review status: criteria provided, single submitter. Criteria: ACMG Guidelines, 2015. Collection method: clinical testing. Allele origin: germline.

Illumina Laboratory Services, Illumina
Classification: Uncertain significance for Achromatopsia 3. Last evaluated: 2018-01-13. Review status: criteria provided, single submitter. Criteria: ICSL Variant Classification Criteria 13 December 2019. Collection method: clinical testing. Allele origin: germline.

Illumina Laboratory Services, Illumina
Classification: Uncertain significance for Severe early-childhood-onset retinal dystrophy. Last evaluated: 2018-01-13. Review status: criteria provided, single submitter. Criteria: ICSL Variant Classification Criteria 13 December 2019. Collection method: clinical testing. Allele origin: germline.

Eurofins Ntd Llc (ga)
Classification: Uncertain significance. Last evaluated: 2015-10-20. Review status: criteria provided, single submitter. Criteria: EGL Classification Definitions 2015. Collection method: clinical testing. Allele origin: germline. Observed: 1 variant allele, 1 heterozygote.

Breakthrough Genomics
Classification: Uncertain significance. Review status: criteria provided, single submitter. Criteria: ACMG Guidelines, 2015. Collection method: not provided. Allele origin: germline. Inheritance: Autosomal recessive inheritance. Affected: yes.